The following is an entry in ClinVar:

NM_001110556.2(FLNA):c.6085C>T (p.His2029Tyr)

Gene: FLNA (filamin A; minus strand). Cytogenetic location: Xq28.
Variant type: single nucleotide variant.
Coding change: c.6085C>T on transcript NM_001110556.2 (MANE Select); coding-DNA position 6085, C replaced by T.
Protein change: p.His2029Tyr; replaces histidine 2029 with tyrosine.
Molecular consequence: missense variant.
Genome position (GRCh38, 1-based): chrX:154,353,142, G>A on the plus strand (C>T on the coding strand, the complement: FLNA is on the minus strand). VCF-style: chrX-154353142-G-A. GRCh37 (hg19) VCF-style: chrX-153581510-G-A.
Other names: c.6061C>T, p.His2021Tyr (NM_001456.4); short protein forms H2029Y, H2021Y.
Identifiers: ClinVar variation 2449572 (VCV002449572.5), dbSNP rs782292372, ClinGen allele CA10560166.

ClinVar aggregate classification (germline): Conflicting classifications of pathogenicity. Review status: criteria provided, conflicting classifications (1 of 4 stars). 2 submissions from 2 submitters: Uncertain significance (1); Likely benign (1). Last evaluated 2024-09-27.

Conditions:
Familial thoracic aortic aneurysm and aortic dissection (TAAD). Also called: Thoracic aortic aneurysms and dissections. Identifiers: Orphanet 91387, MedGen C4707243, MONDO:0019625.
Heterotopia, periventricular, X-linked dominant (PVNH1). Also called: PERIVENTRICULAR NODULAR HETEROTOPIA 1; PERIVENTRICULAR NODULAR HETEROTOPIA 4; HETEROTOPIA, PERIVENTRICULAR, 1; X-linked periventricular heterotopia. Identifiers: Orphanet 2149, Orphanet 82004, MedGen C1848213, MONDO:0010233, OMIM 300049.
Melnick-Needles syndrome (MNS). Also called: MELNICK-NEEDLES OSTEODYSPLASTY; OSTEODYSPLASTY OF MELNICK AND NEEDLES; Melnick-Needles Syndrome (FLNA-MNS). Identifiers: Orphanet 2484, MedGen C0025237, MONDO:0010650, OMIM 309350.
Oto-palato-digital syndrome, type II (OPD2). Also called: FACIOPALATOOSSEOUS SYNDROME; OPD II SYNDROME; Otopalatodigital Syndrome Type 2 (FLNA-OPD2); Otopalatodigital Syndrome, Type II. Identifiers: Orphanet 669, Orphanet 90652, MedGen C1844696, MONDO:0010571, OMIM 304120.
Frontometaphyseal dysplasia (FMD1). Identifiers: Orphanet 1826, MedGen C0265293, MONDO:0015942.

Allele frequency attached by ClinVar (database versions not stated): gnomAD exomes below 0.00001; ExAC 0.00001; gnomAD 0.00001.
gnomAD v4.1: 2 of 1,209,904 alleles (0.00017%); highest among the groups gnomAD compares: East Asian, 0.003%; no homozygotes.

Submissions (3):

Labcorp Genetics (formerly Invitae), Labcorp
Classification: Likely benign for Oto-palato-digital syndrome, type II; Heterotopia, periventricular, X-linked dominant; Frontometaphyseal dysplasia; Melnick-Needles syndrome. Last evaluated: 2024-09-27. Review status: criteria provided, single submitter. Criteria: Invitae Variant Classification Sherloc (09022015). Collection method: clinical testing. Allele origin: germline.

Ambry Genetics
Classification: Uncertain significance for Familial thoracic aortic aneurysm and aortic dissection. Last evaluated: 2023-01-03. Review status: criteria provided, single submitter. Criteria: Ambry Variant Classification Scheme 2023. Collection method: clinical testing. Allele origin: germline.
Comment: The p.H2021Y variant (also known as c.6061C>T), located in coding exon 36 of the FLNA gene, results from a C to T substitution at nucleotide position 6061. The histidine at codon 2021 is replaced by tyrosine, an amino acid with similar properties. Based on data from gnomAD, the T allele has an overall frequency of <0.01% (1/181399) total alleles studied, with 1 hemizygote(s) observed. The highest observed frequency was <0.01% (1/81201) of European (non-Finnish) alleles. This amino acid position is highly conserved in available vertebrate species. In addition, this alteration is predicted to be deleterious by in silico analysis. Since supporting evidence is limited at this time, the clinical significance of this alteration remains unclear.

Dr. Peter K. Rogan Lab, Western University
No classification provided (evidence only). Condition: Thyroid cancer, nonmedullary, 1. Review status: no classification provided. Collection method: in vitro. Allele origin: not applicable. Functional consequence: retained intron. Not counted in ClinVar's aggregate classification.